The following is an entry in ClinVar:

ClinVar aggregate classification (germline): Uncertain significance. Review status: criteria provided, multiple submitters, no conflicts (2 of 4 stars). 2 submissions from 2 submitters: Uncertain significance (2). Last evaluated 2022-12-02.

Allele frequency attached by ClinVar (database versions not stated): gnomAD 0.00001; ExAC 0.00002; TOPMed 0.00002.
gnomAD v4.1: 52 of 1,597,008 alleles (0.0033%); highest among the groups gnomAD compares: Non-Finnish European, 0.0043%; no homozygotes.

Submissions (2):

Labcorp Genetics (formerly Invitae), Labcorp
Classification: Uncertain significance. Last evaluated: 2022-12-02. Review status: criteria provided, single submitter. Criteria: Invitae Variant Classification Sherloc (09022015). Collection method: clinical testing. Allele origin: germline.
Comment: This variant is present in population databases (rs752119644, gnomAD 0.008%). In summary, the available evidence is currently insufficient to determine the role of this variant in disease. Therefore, it has been classified as a Variant of Uncertain Significance. Algorithms developed to predict the effect of missense changes on protein structure and function are either unavailable or do not agree on the potential impact of this missense change (SIFT: "Deleterious"; PolyPhen-2: "Benign"; Align-GVGD: "Class C0"). ClinVar contains an entry for this variant (Variation ID: 804741). This variant has not been reported in the literature in individuals affected with DIAPH3-related conditions. This sequence change replaces proline, which is neutral and non-polar, with arginine, which is basic and polar, at codon 561 of the DIAPH3 protein (p.Pro561Arg).

Athena Diagnostics
Classification: Uncertain significance. Last evaluated: 2019-02-12. Review status: criteria provided, single submitter. Criteria: Athena Diagnostics Criteria. Collection method: clinical testing. Allele origin: germline.

NM_001042517.2(DIAPH3):c.1682C>G (p.Pro561Arg)

Gene: DIAPH3 (diaphanous related formin 3; minus strand). Cytogenetic location: 13q21.2.
Variant type: single nucleotide variant.
Coding change: c.1682C>G on transcript NM_001042517.2 (MANE Select); coding-DNA position 1682, C replaced by G.
Protein change: p.Pro561Arg; replaces proline 561 with arginine.
Molecular consequence: missense variant.
Genome position (GRCh38, 1-based): chr13:59,971,129, G>C on the plus strand (C>G on the coding strand, the complement: DIAPH3 is on the minus strand). VCF-style: chr13-59971129-G-C. GRCh37 (hg19) VCF-style: chr13-60545263-G-C.
Other names: c.1649C>G, p.Pro550Arg (NM_001258366.2); c.1544C>G, p.Pro515Arg (NM_001258367.2); c.1472C>G, p.Pro491Arg (NM_001258368.2); c.1682C>G, p.Pro561Arg (NM_001258369.2); c.893C>G, p.Pro298Arg (NM_001258370.2, NM_030932.4); short protein forms P298R, P515R, P561R, P491R, P550R.
Identifiers: ClinVar variation 804741 (VCV000804741.5), dbSNP rs752119644, ClinGen allele CA6996603.